The following is an entry in ClinVar:

ClinVar aggregate classification (germline): Uncertain significance (1 of 4 stars; one submission).

Conditions:
Inborn genetic diseases. Identifiers: MedGen C0950123, MeSH D030342.

gnomAD v4.1: 2 of 1,613,682 alleles (0.00012%); highest among the groups gnomAD compares: African/African-American, 0.0027%; no homozygotes.

Submission:

Ambry Genetics
Classification: Uncertain significance for Inborn genetic diseases. Last evaluated: 2026-05-27. Review status: criteria provided, single submitter. Criteria: Ambry Variant Classification Scheme 2023. Collection method: clinical testing. Allele origin: germline.
Comment: The c.2154A>C (p.E718D) alteration is located in exon 13 (coding exon 13) of the EHMT1 gene. This alteration results from a A to C substitution at nucleotide position 2154, causing the glutamic acid (E) at amino acid position 718 to be replaced by an aspartic acid (D). Based on data from gnomAD, the C allele has an overall frequency of <0.001% (1/251292) total alleles studied. The highest observed frequency was 0.006% (1/16242) of African alleles. Based on insufficient or conflicting evidence, the clinical significance of this alteration remains unclear.

NM_024757.5(EHMT1):c.2154A>C (p.Glu718Asp)

Gene: EHMT1 (euchromatic histone lysine methyltransferase 1; plus strand). Cytogenetic location: 9q34.3.
Variant type: single nucleotide variant.
Coding change: c.2154A>C on transcript NM_024757.5 (MANE Select); coding-DNA position 2154, A replaced by C.
Protein change: p.Glu718Asp; replaces glutamic acid 718 with aspartic acid.
Molecular consequence: missense variant.
Genome position (GRCh38, 1-based): chr9:137,778,017, A>C. VCF-style: chr9-137778017-A-C. GRCh37 (hg19) VCF-style: chr9-140672469-A-C.
Other names: c.2154A>C, p.Glu718Asp (NM_001145527.2); c.2061A>C, p.Glu687Asp (NM_001354259.2); c.2133A>C, p.Glu711Asp (NM_001354263.2); short protein forms E687D, E711D, E718D.
Identifiers: ClinVar variation 4870336 (VCV004870336.1).